The following is an entry in ClinVar:

ClinVar aggregate classification (germline): Pathogenic. Review status: criteria provided, multiple submitters, no conflicts (2 of 4 stars). 23 submissions from 20 submitters: Pathogenic (19). 4 of the submissions do not count toward it. Last evaluated 2026-06-10.

Conditions:
Neuropathy, hereditary motor and sensory, type 6A (HMSN6A). Also called: NEUROPATHY, HEREDITARY MOTOR AND SENSORY, TYPE VIA, WITH OPTIC ATROPHY; NEUROPATHY, HEREDITARY MOTOR AND SENSORY, TYPE VIA; HMSN VIA; CHARCOT-MARIE-TOOTH DISEASE, TYPE 6A. Identifiers: MedGen CN305336, MONDO:0011002, OMIM 601152.
MFN2-related disorder. Also called: MFN2-related disorders; MFN2-related condition.
Charcot-Marie-Tooth disease, axonal, autosomal recessive, type 2a2b;. Also called: Charcot-Marie-Tooth disease, axonal, type 2A2B; Charcot-Marie-Tooth disease, axonal, autosomal recessive, type 2A2B. Identifiers: MedGen C4310725, MONDO:0014906, OMIM 617087.
Hereditary motor and sensory neuropathy with optic atrophy. Also called: PERIPHERAL NEUROPATHY AND OPTIC ATROPHY; CHARCOT-MARIE-TOOTH DISEASE, TYPE 6. Identifiers: Orphanet 90120, MedGen C0393807, MONDO:0019551.
Charcot-Marie-Tooth disease type 2A2. Also called: CHARCOT-MARIE-TOOTH DISEASE, AXONAL, AUTOSOMAL DOMINANT, TYPE 2A2A; CHARCOT-MARIE-TOOTH DISEASE, NEURONAL, TYPE 2A2; CHARCOT-MARIE-TOOTH DISEASE, AXONAL, TYPE 2A2; Charcot-Marie-Tooth Neuropathy Type 2A2; HEREDITARY MOTOR AND SENSORY NEUROPATHY IIA2; HMSN IIA2. Identifiers: Orphanet 99947, MedGen C4721887, MONDO:0012231, OMIM 609260.
Inborn genetic diseases. Identifiers: MedGen C0950123, MeSH D030342.
Charcot-Marie-Tooth disease type 2. Also called: Charcot-Marie-Tooth type 2. Identifiers: Orphanet 64746, MedGen C0270914, MONDO:0018993.
Charcot-Marie-Tooth disease. Also called: Charcot-Marie-Tooth Neuropathy; Charcot-Marie-Tooth Hereditary Neuropathy. Identifiers: Orphanet 166, MedGen C0007959, MONDO:0015626.
Charcot-Marie-Tooth disease dominant intermediate B (CMTDIB). Also called: CHARCOT-MARIE-TOOTH NEUROPATHY, DOMINANT INTERMEDIATE B; Charcot-Marie-Tooth disease dominant intermediate 1; CMT DI1; Charcot-Marie-Tooth disease dominant intermediate I. Identifiers: Orphanet 100044, Orphanet 228179, MedGen C1847902, MONDO:0011674, OMIM 606482.

Submissions 1 to 12 of 23:

Clinical Genetics Laboratory, Skane University Hospital Lund
Classification: Pathogenic for Charcot-Marie-Tooth disease type 2A2. Last evaluated: 2026-06-10. Review status: criteria provided, single submitter. Criteria: ACMG Guidelines, 2015. Collection method: clinical testing. Allele origin: de novo. Affected: yes.
Comment: PS2, PS3_Supporting, PM1, PM2 and PP3

Labcorp Genetics (formerly Invitae), Labcorp
Classification: Pathogenic for Charcot-Marie-Tooth disease type 2. Last evaluated: 2025-12-13. Review status: criteria provided, single submitter. Criteria: Invitae Variant Classification Sherloc (09022015). Collection method: clinical testing. Allele origin: germline.
Comment: This sequence change replaces arginine, which is basic and polar, with tryptophan, which is neutral and slightly polar, at codon 104 of the MFN2 protein (p.Arg104Trp). This variant is not present in population databases (gnomAD no frequency). This missense change has been observed in individual(s) with Charcot-Marie-Tooth disease (PMID: 18425620, 18946002, 18957892, 20008656, 21531138, 21840889, 25025039). In at least one individual the variant was observed to be de novo. It has also been observed to segregate with disease in related individuals. ClinVar contains an entry for this variant (Variation ID: 2281). Invitae Evidence Modeling of protein sequence and biophysical properties (such as structural, functional, and spatial information, amino acid conservation, physicochemical variation, residue mobility, and thermodynamic stability) indicates that this missense variant is expected to disrupt MFN2 protein function with a positive predictive value of 95%. This variant disrupts the p.Arg104 amino acid residue in MFN2. Other variant(s) that disrupt this residue have been determined to be pathogenic (PMID: 22492563). This suggests that this residue is clinically significant, and that variants that disrupt this residue are likely to be disease-causing. For these reasons, this variant has been classified as Pathogenic.

3billion
Classification: Pathogenic for Charcot-Marie-Tooth disease type 2A2. Last evaluated: 2025-09-25. Review status: criteria provided, single submitter. Criteria: ACMG Guidelines, 2015. Collection method: clinical testing. Allele origin: germline. Affected: yes.
Comment: The variant is not observed in the gnomAD v4.1.0 dataset. Predicted Consequence/Location: Missense variant In silico tool predictions suggest damaging effect of the variant on gene or gene product [REVEL: 0.93 (>=0.6, sensitivity 0.68 and specificity 0.92); 3Cnet: 0.99 (> 0.75, sensitivity 0.96 and precision 0.92)]. The same nucleotide change resulting in the same amino acid change has been previously reported as pathogenic/likely pathogenic with strong evidence (ClinVar ID: VCV000002281 /PMID: 18425620 /3billion dataset). The variant has been observed in multiple (>3) similarly affected unrelated individuals (PMID: 25025039, 26307494, 26382835). Different missense changes at the same codon (p.Arg104Gln, p.Arg104Leu) have been reported as pathogenic/likely pathogenic with strong evidence (ClinVar ID: VCV000214651, VCV000637289 /PMID: 22492563, 24957169). Therefore, this variant is classified as Pathogenic according to the recommendation of ACMG/AMP guideline.

Plataforma de Genómica Funcional - SJD, Institut De Recerca Sant Joan De Déu
Classification: Pathogenic for Charcot-Marie-Tooth disease type 2A2. Last evaluated: 2025-06-26. Review status: criteria provided, single submitter. Criteria: ACMG Guidelines, 2015. Collection method: clinical testing. Allele origin: de novo. Affected: yes.
Comment: The c.310C>T variant (NM_001127660.1) in MFN2 is a missense variant predicted to cause an amino acid change of Arg by Trp at position 104 in the protein sequence (p.(Arg104Trp)). This variant is absent from population databases (gnomAD v2.1; PM2_supporting). This variant has been identified as de novo in an individual with Charcot-Marie-Tooth disease, axonal, type 2A2A (PMID: 35177962; internal lab contributor; PS2). The variant cosegregates with the disease in multiple affected family members in a gene definitively known to cause the disease and it is related to several articles (ClinVar Variation ID: 2281; PMIDs: 18425620, 18946002, 18957892, 20008656, 21531138, 21840889, 25025039; PP1_verystrong). The computational predictor REVEL and CADD unanimously support a deleterious effect of the variant (REVEL score: 0.981; CADD score 27.7; PP3_moderate). This variant resides within a region of MFN2 that is defined as a exonic mutational hotspot (PM1). Functional studies performed in patient's fibroblasts conducted at the Neurogenetics and Molecular Medicine Laboratory showed aberrant protein function, mitochondrial morphology defects, and decreased mitochondria–lysosome contacts (PMID: 35177962; PS3). In summary, this variant meets the criteria to be classified as Pathogenic based on the ACMG/AMP criteria applied.

Division of Genetic & Genomic Pathology, Hong Kong Children's Hospital
Classification: Pathogenic for Charcot-Marie-Tooth disease type 2A2. Last evaluated: 2024-07-30. Review status: criteria provided, single submitter. Criteria: ACMG Guidelines, 2015. Collection method: clinical testing. Allele origin: germline. Affected: yes.
Comment: MFN2 c.310C>T p.(Arg104Trp) is a missense variant located in exon 4. The variant is absent from the control populations (gnomAD v2.1.1 and v4.1.0). It has been reported in multiple unrelated patients with Charcot-Marie-Tooth neuropathy as de novo occurrence (PMID: 18425620, 21840889, 26307494; ClinVar accession: VCV000002281.29), and also reported to segregate with disease in three affected family members from a family (PMID: 18946002). The variant has a REVEL score of 0.933, which is predicted to be deleterious. For these reasons, this variant is classified as pathogenic.

Blueprint Genetics
Classification: Pathogenic for MFN2-related disorders. Last evaluated: 2024-05-28. Review status: criteria provided, single submitter. Criteria: ACMG Guidelines, 2015. Collection method: clinical testing. Allele origin: germline. Affected: yes. Observed: 2 variant alleles.

Department of Clinical Genetics, Copenhagen University Hospital, Rigshospitalet
Classification: Pathogenic for Charcot-Marie-Tooth disease type 2A2. Last evaluated: 2024-04-30. Review status: criteria provided, single submitter. Criteria: ACMG Guidelines, 2015. Collection method: clinical testing. Allele origin: germline.
Comment: PP5_VStr, PP3_Sup, PM2_Sup, PP2_Sup

Baylor Genetics
Classification: Pathogenic for Charcot-Marie-Tooth disease type 2A2. Last evaluated: 2023-03-13. Review status: criteria provided, single submitter. Criteria: ACMG Guidelines, 2015. Collection method: clinical testing. Allele origin: unknown. Study: Adult_WES.

Baylor Genetics
Classification: Pathogenic for Neuropathy, hereditary motor and sensory, type 6A. Last evaluated: 2023-03-13. Review status: criteria provided, single submitter. Criteria: ACMG Guidelines, 2015. Collection method: clinical testing. Allele origin: unknown.

Baylor Genetics
Classification: Pathogenic for Charcot-Marie-Tooth disease, axonal, autosomal recessive, type 2a2b;. Last evaluated: 2023-03-13. Review status: criteria provided, single submitter. Criteria: ACMG Guidelines, 2015. Collection method: clinical testing. Allele origin: unknown.

GeneDx
Classification: Pathogenic. Last evaluated: 2022-04-14. Review status: criteria provided, single submitter. Criteria: GeneDx Variant Classification Process June 2021. Collection method: clinical testing. Allele origin: germline. Affected: yes.
Comment: Not observed in large population cohorts (gnomAD); In silico analysis supports that this missense variant has a deleterious effect on protein structure/function; This variant is associated with the following publications: (PMID: 18425620, 26307494, 25025039, 30442897, 21840889, 21531138, 18946002, 30340945, 33851411, 34169998, 24863639)

Laboratório de Neurologia Aplicada e Experimental, Faculdade de Medicina de Ribeirao Preto – Universidade de Sao Paulo
Classification: Pathogenic for Charcot-Marie-Tooth disease type 2A2. Last evaluated: 2021-07-20. Review status: criteria provided, single submitter. Criteria: ACMG Guidelines, 2015. Collection method: research. Allele origin: germline. Inheritance: Autosomal dominant inheritance. Affected: yes. Observed: 2 variant alleles, 2 heterozygotes.

NM_014874.4(MFN2):c.310C>T (p.Arg104Trp)

Gene: MFN2 (mitofusin 2; plus strand). Cytogenetic location: 1p36.22.
Variant type: single nucleotide variant.
Coding change: c.310C>T on transcript NM_014874.4 (MANE Select); coding-DNA position 310, C replaced by T.
Protein change: p.Arg104Trp; replaces arginine 104 with tryptophan.
Molecular consequence: missense variant.
Genome position (GRCh38, 1-based): chr1:11,992,689, C>T. VCF-style: chr1-11992689-C-T. GRCh37 (hg19) VCF-style: chr1-12052746-C-T.
Other names: p.R104W:CGG>TGG; chr1-11992689-C-T; p.Arg104Trp; c.310C>T, p.Arg104Trp (NM_001127660.2); short protein forms R104W.
Identifiers: ClinVar variation 2281 (VCV000002281.38), dbSNP rs119103268, ClinGen allele CA115475.